The following is an entry in ClinVar:

ClinVar aggregate classification (germline): Conflicting classifications of pathogenicity. Review status: criteria provided, conflicting classifications (1 of 4 stars). 2 submissions from 2 submitters: Uncertain significance (1); Likely benign (1). Last evaluated 2023-03-01.

Conditions:
Congenital dyserythropoietic anemia, type I. Also called: Dyserythropoietic anemia, congenital type 1. Identifiers: Orphanet 98869, MedGen C0271933, MONDO:0020337. Disease mechanism: loss of function.

Allele frequency attached by ClinVar (database versions not stated): gnomAD 0.00005 and 0.00006; TOPMed 0.00005; gnomAD exomes 0.00006; ExAC 0.00007; ESP Exome Variant Server 0.00015.
gnomAD v4.1: 107 of 1,614,168 alleles (0.0066%); highest among the groups gnomAD compares: East Asian, 0.045%; no homozygotes.

Submissions (2):

CeGaT Center for Human Genetics Tuebingen
Classification: Likely benign. Last evaluated: 2023-03-01. Review status: criteria provided, single submitter. Criteria: CeGaT Center For Human Genetics Tuebingen Variant Classification Criteria Version 2. Collection method: clinical testing. Allele origin: germline. Affected: yes. Observed: 1 variant allele.
Comment: CDAN1: BP4, BP7

Illumina Laboratory Services, Illumina
Classification: Uncertain significance for Anemia, congenital dyserythropoietic, type 1a. Last evaluated: 2018-01-12. Review status: criteria provided, single submitter. Criteria: ICSL Variant Classification Criteria 13 December 2019. Collection method: clinical testing. Allele origin: germline.

NM_138477.4(CDAN1):c.2406C>T (p.Ile802=)

Gene: CDAN1 (codanin 1; minus strand). Cytogenetic location: 15q15.2.
Variant type: single nucleotide variant.
Coding change: c.2406C>T on transcript NM_138477.4 (MANE Select); coding-DNA position 2406, C replaced by T.
Protein change: p.Ile802=; no amino-acid change (isoleucine 802 retained).
Molecular consequence: synonymous variant.
Genome position (GRCh38, 1-based): chr15:42,729,569, G>A on the plus strand (C>T on the coding strand, the complement: CDAN1 is on the minus strand). VCF-style: chr15-42729569-G-A. GRCh37 (hg19) VCF-style: chr15-43021767-G-A.
Other names: c.2406C>T, p.Ile802= (LRG_1164t1).
Identifiers: ClinVar variation 315935 (VCV000315935.29), dbSNP rs145050561, ClinGen allele CA7515680.